The following is an entry in ClinVar:

NM_001368067.1(LDB3):c.518A>T (p.Gln173Leu)

Genes: LDB3 (LIM domain binding 3; plus strand), LOC110121486 (VISTA enhancer hs2143; plus strand). Cytogenetic location: 10q23.2.
Variant type: single nucleotide variant.
Coding change: c.518A>T on transcript NM_001368067.1 (MANE Plus Clinical); coding-DNA position 518, A replaced by T.
Protein change: p.Gln173Leu; replaces glutamine 173 with leucine.
Molecular consequence: missense variant. On other transcripts: intron variant (5).
Genome position (GRCh38, 1-based): chr10:86,687,242, A>T. VCF-style: chr10-86687242-A-T. GRCh37 (hg19) VCF-style: chr10-88446999-A-T.
Other names: c.518A>T, p.Gln173Leu (NM_001080114.2, NM_001080116.1, NM_001368066.1 and 1 more transcripts); c.863A>T, p.Gln288Leu (NM_001171610.2, NM_001171611.2); c.690-4654A>T (NM_001368064.1, NM_001368063.1, NM_007078.3 and 2 more transcripts); short protein forms Q173L, Q288L.
Identifiers: ClinVar variation 3701686 (VCV003701686.2).

ClinVar aggregate classification (germline): Uncertain significance (1 of 4 stars; one submission).

Conditions:
Myofibrillar myopathy 4. Also called: Zaspopathy (type). Identifiers: Orphanet 98912, MedGen C4721886, MONDO:0012277, OMIM 609452.

Submission:

Labcorp Genetics (formerly Invitae), Labcorp
Classification: Uncertain significance for Myofibrillar myopathy 4. Last evaluated: 2024-08-19. Review status: criteria provided, single submitter. Criteria: Invitae Variant Classification Sherloc (09022015). Collection method: clinical testing. Allele origin: germline.
Comment: This sequence change replaces glutamine, which is neutral and polar, with leucine, which is neutral and non-polar, at codon 173 of the LDB3 protein (p.Gln173Leu). This variant is not present in population databases (gnomAD no frequency). This variant has not been reported in the literature in individuals affected with LDB3-related conditions. An algorithm developed to predict the effect of missense changes on protein structure and function (PolyPhen-2) suggests that this variant is likely to be disruptive. In summary, the available evidence is currently insufficient to determine the role of this variant in disease. Therefore, it has been classified as a Variant of Uncertain Significance.